The following is an entry in ClinVar:

NM_004656.4(BAP1):c.316G>T (p.Val106Leu)

Gene: BAP1 (BRCA1 associated deubiquitinase 1; minus strand). Cytogenetic location: 3p21.1.
Variant type: single nucleotide variant.
Coding change: c.316G>T on transcript NM_004656.4 (MANE Select); coding-DNA position 316, G replaced by T.
Protein change: p.Val106Leu; replaces valine 106 with leucine.
Molecular consequence: missense variant.
Genome position (GRCh38, 1-based): chr3:52,408,017, C>A on the plus strand (G>T on the coding strand, the complement: BAP1 is on the minus strand). VCF-style: chr3-52408017-C-A. GRCh37 (hg19) VCF-style: chr3-52442033-C-A.
Other names: short protein forms V106L.
Identifiers: ClinVar variation 823061 (VCV000823061.4), dbSNP rs754385495, ClinGen allele CA353112232.

ClinVar aggregate classification (germline): Uncertain significance (1 of 4 stars; one submission).

Conditions:
Hereditary cancer-predisposing syndrome. Also called: Tumor predisposition; Hereditary Cancer Syndrome; Neoplastic Syndromes, Hereditary; Hereditary neoplastic syndrome. Identifiers: Orphanet 140162, MedGen C0027672, MeSH D009386, MONDO:0015356.

Submission:

Ambry Genetics
Classification: Uncertain significance for Hereditary cancer-predisposing syndrome. Last evaluated: 2019-04-11. Review status: criteria provided, single submitter. Criteria: Ambry Variant Classification Scheme 2023. Collection method: clinical testing. Allele origin: germline.
Comment: The p.V106L variant (also known as c.316G>T), located in coding exon 5 of the BAP1 gene, results from a G to T substitution at nucleotide position 316. The valine at codon 106 is replaced by leucine, an amino acid with highly similar properties. This amino acid position is highly conserved in available vertebrate species. In addition, the in silico prediction for this alteration is inconclusive. Since supporting evidence is limited at this time, the clinical significance of this alteration remains unclear.